The following is an entry in ClinVar:

NM_002968.3(SALL1):c.2063C>T (p.Thr688Met)

Gene: SALL1 (spalt like transcription factor 1; minus strand). Cytogenetic location: 16q12.1.
Variant type: single nucleotide variant.
Coding change: c.2063C>T on transcript NM_002968.3 (MANE Select); coding-DNA position 2063, C replaced by T.
Protein change: p.Thr688Met; replaces threonine 688 with methionine.
Molecular consequence: missense variant.
Genome position (GRCh38, 1-based): chr16:51,140,159, G>A on the plus strand (C>T on the coding strand, the complement: SALL1 is on the minus strand). VCF-style: chr16-51140159-G-A. GRCh37 (hg19) VCF-style: chr16-51174070-G-A.
Other names: c.1772C>T, p.Thr591Met (NM_001127892.2); short protein forms T591M, T688M.
Identifiers: ClinVar variation 3903333 (VCV003903333.2).

ClinVar aggregate classification (germline): Uncertain significance (1 of 4 stars; one submission).

gnomAD v4.1: 8 of 1,614,018 alleles (0.0005%); highest among the groups gnomAD compares: South Asian, 0.0011%; no homozygotes.

Submission:

GeneDx
Classification: Uncertain significance. Last evaluated: 2026-01-23. Review status: criteria provided, single submitter. Criteria: GeneDx Variant Classification Process June 2021. Collection method: clinical testing. Allele origin: germline.
Comment: In silico analysis supports that this missense variant has a deleterious effect on protein structure/function; Has not been previously published as pathogenic or benign to our knowledge